The following is an entry in ClinVar:

ClinVar aggregate classification (germline): Conflicting classifications of pathogenicity. Review status: criteria provided, conflicting classifications (1 of 4 stars). 3 submissions from 3 submitters: Uncertain significance (1); Likely benign (2). Last evaluated 2025-04-01.

Conditions:
Non-obstructive azoospermia. Identifiers: MedGen C4021107, HP:0011961.

Allele frequency attached by ClinVar (database versions not stated): ESP Exome Variant Server 0.00154; gnomAD exomes 0.00154; gnomAD 0.00157 and 0.00147; TOPMed 0.00163; 1000 Genomes Project 0.00180; 1000 Genomes Project 30x 0.00141; ExAC 0.00142.
gnomAD v4.1: 2,560 of 1,614,094 alleles (0.16%); highest among the groups gnomAD compares: Admixed American, 0.38%; 9 homozygotes.

Submissions (3):

CeGaT Center for Human Genetics Tuebingen
Classification: Likely benign. Last evaluated: 2025-04-01. Review status: criteria provided, single submitter. Criteria: CeGaT Center For Human Genetics Tuebingen Variant Classification Criteria Version 2. Collection method: clinical testing. Allele origin: germline. Affected: yes. Observed: 3 variant alleles.
Comment: TEX15: BP4, BS2

Institute of Reproductive Genetics, University of Münster
Classification: Uncertain significance for Non-obstructive azoospermia. Last evaluated: 2020-06-07. Review status: criteria provided, single submitter. Criteria: ACMG Guidelines, 2015. Collection method: research. Allele origin: unknown. Affected: yes. Observed: 1 variant allele.

Labcorp Genetics (formerly Invitae), Labcorp
Classification: Likely benign. Last evaluated: 2017-07-14. Review status: criteria provided, single submitter. Criteria: Invitae Variant Classification Sherloc (09022015). Collection method: clinical testing. Allele origin: germline.

Literature cited by the submitters: PubMed 31479588 (cited by Institute of Reproductive Genetics, University of Münster).

NM_001350162.2(TEX15):c.9223G>A (p.Gly3075Arg)

Gene: TEX15 (testis expressed 15, meiosis and synapsis associated; minus strand). Cytogenetic location: 8p12.
Variant type: single nucleotide variant.
Coding change: c.9223G>A on transcript NM_001350162.2 (MANE Select); coding-DNA position 9223, G replaced by A.
Protein change: p.Gly3075Arg; replaces glycine 3075 with arginine.
Molecular consequence: missense variant.
Genome position (GRCh38, 1-based): chr8:30,837,061, C>T on the plus strand (G>A on the coding strand, the complement: TEX15 is on the minus strand). VCF-style: chr8-30837061-C-T. GRCh37 (hg19) VCF-style: chr8-30694577-C-T.
Other names: short protein forms G3075R.
Identifiers: ClinVar variation 684768 (VCV000684768.29), dbSNP rs150606321, ClinGen allele CA4702171.